The following is an entry in ClinVar:

ClinVar aggregate classification (germline): Uncertain significance (1 of 4 stars; one submission).

Submission:

Labcorp Genetics (formerly Invitae), Labcorp
Classification: Uncertain significance. Last evaluated: 2025-07-03. Review status: criteria provided, single submitter. Criteria: Invitae Variant Classification Sherloc (09022015). Collection method: clinical testing. Allele origin: germline.
Comment: This sequence change replaces lysine, which is basic and polar, with isoleucine, which is neutral and non-polar, at codon 252 of the COL9A2 protein (p.Lys252Ile). This variant is not present in population databases (gnomAD no frequency). This variant has not been reported in the literature in individuals affected with COL9A2-related conditions. Invitae Evidence Modeling of protein sequence and biophysical properties (such as structural, functional, and spatial information, amino acid conservation, physicochemical variation, residue mobility, and thermodynamic stability) indicates that this missense variant is not expected to disrupt COL9A2 protein function with a negative predictive value of 95%. In summary, the available evidence is currently insufficient to determine the role of this variant in disease. Therefore, it has been classified as a Variant of Uncertain Significance.

NM_001852.4(COL9A2):c.755A>T (p.Lys252Ile)

Gene: COL9A2 (collagen type IX alpha 2 chain; minus strand). Cytogenetic location: 1p34.2.
Variant type: single nucleotide variant.
Coding change: c.755A>T on transcript NM_001852.4 (MANE Select); coding-DNA position 755, A replaced by T.
Protein change: p.Lys252Ile; replaces lysine 252 with isoleucine.
Molecular consequence: missense variant.
Genome position (GRCh38, 1-based): chr1:40,310,148, T>A on the plus strand (A>T on the coding strand, the complement: COL9A2 is on the minus strand). VCF-style: chr1-40310148-T-A. GRCh37 (hg19) VCF-style: chr1-40775820-T-A.
Other names: short protein forms K252I.
Identifiers: ClinVar variation 4769005 (VCV004769005.1).